The following is an entry in ClinVar:

ClinVar aggregate classification (germline): Uncertain significance (1 of 4 stars; one submission).

Conditions:
Cardiovascular phenotype. Identifiers: MedGen CN230736.

Submission:

Ambry Genetics
Classification: Uncertain significance for Cardiovascular phenotype. Last evaluated: 2026-04-30. Review status: criteria provided, single submitter. Criteria: Ambry Variant Classification Scheme 2023. Collection method: clinical testing. Allele origin: germline.
Comment: The c.136_138delGTGinsTTT variant, located in coding exon 2 of the GPIHBP1 gene, results from an in-frame deletion of GTG and insertion of TTT at nucleotide positions 136 to 138. This results in the substitution of the valine residue for a phenylalanine residue at codon 46, an amino acid with highly similar properties. This amino acid position is poorly conserved in available vertebrate species. In addition, this variant is predicted to be neutral by in silico analysis (Choi Y et al. PLoS ONE. 2012; 7(10):e46688). Based on the available evidence, the clinical significance of this variant remains unclear.

NM_178172.6(GPIHBP1):c.136_138delinsTTT (p.Val46Phe)

Gene: GPIHBP1 (glycosylphosphatidylinositol anchored high density lipoprotein binding protein 1; plus strand). Cytogenetic location: 8q24.3.
Variant type: Indel.
Coding change: c.136_138delinsTTT on transcript NM_178172.6 (MANE Select); coding-DNA positions 136 to 138, GTG replaced by TTT.
Protein change: p.Val46Phe; replaces valine 46 with phenylalanine.
Molecular consequence: missense variant.
Genome position (GRCh38, 1-based): chr8:143,213,905-143,213,907, GTG replaced by TTT. VCF-style: chr8-143213905-GTG-TTT. GRCh37 (hg19) VCF-style: chr8-144295780-GTG-TTT.
Other names: c.136_138delinsTTT, p.Val46Phe (NM_001301772.2); short protein forms V46F.
Identifiers: ClinVar variation 4858161 (VCV004858161.1).